The following is an entry in ClinVar:

NM_000038.6(APC):c.7281T>C (p.Ser2427=)

Gene: APC (APC regulator of Wnt signaling pathway; plus strand). Cytogenetic location: 5q22.2.
Variant type: single nucleotide variant.
Coding change: c.7281T>C on transcript NM_000038.6 (MANE Select); coding-DNA position 7281, T replaced by C.
Protein change: p.Ser2427=; no amino-acid change (serine 2427 retained).
Molecular consequence: synonymous variant.
Genome position (GRCh38, 1-based): chr5:112,842,875, T>C. VCF-style: chr5-112842875-T-C. GRCh37 (hg19) VCF-style: chr5-112178572-T-C.
Other names: c.7281T>C, p.Ser2427= (NM_001127510.3, NM_001354895.2); c.7227T>C, p.Ser2409= (NM_001127511.3); c.7335T>C, p.Ser2445= (NM_001354896.2); c.7311T>C, p.Ser2437= (NM_001354897.2); c.7206T>C, p.Ser2402= (NM_001354898.2); c.7197T>C, p.Ser2399= (NM_001354899.2); c.7158T>C, p.Ser2386= (NM_001354900.2); c.7104T>C, p.Ser2368= (NM_001354901.2); and 5 more.
Identifiers: ClinVar variation 184414 (VCV000184414.24), dbSNP rs786201448, ClinGen allele CA012990.

ClinVar aggregate classification (germline): Benign/Likely benign. Review status: criteria provided, multiple submitters, no conflicts (2 of 4 stars). 6 submissions from 6 submitters: Benign (1); Likely benign (5). Last evaluated 2025-04-16.

Conditions:
Classic or attenuated familial adenomatous polyposis. Identifiers: MedGen CN372698, MONDO:0021057.
Hereditary cancer-predisposing syndrome. Also called: Hereditary neoplastic syndrome; Neoplastic Syndromes, Hereditary; Tumor predisposition; Hereditary Cancer Syndrome. Identifiers: Orphanet 140162, MedGen C0027672, MeSH D009386, MONDO:0015356.
Familial adenomatous polyposis 1 (FAP1). Also called: FAMILIAL ADENOMATOUS POLYPOSIS 1, ATTENUATED; POLYPOSIS, ADENOMATOUS INTESTINAL. Identifiers: MedGen C2713442, MONDO:0021056, OMIM 175100. Disease mechanism: loss of function.

Allele frequency attached by ClinVar (database versions not stated): gnomAD exomes 0.00001; TOPMed 0.00001.
gnomAD v4.1: 10 of 1,614,026 alleles (0.00062%); highest among the groups gnomAD compares: Non-Finnish European, 0.00085%; no homozygotes.

Submissions (6):

Labcorp Genetics (formerly Invitae), Labcorp
Classification: Likely benign for Familial adenomatous polyposis 1. Last evaluated: 2025-04-16. Review status: criteria provided, single submitter. Criteria: Invitae Variant Classification Sherloc (09022015). Collection method: clinical testing. Allele origin: germline.

All of Us Research Program, National Institutes of Health
Classification: Likely benign for Classic or attenuated familial adenomatous polyposis. Last evaluated: 2024-04-16. Review status: criteria provided, single submitter. Criteria: ACMG Guidelines, 2015. Collection method: clinical testing. Allele origin: germline. Inheritance: Autosomal dominant inheritance. Observed: 4 variant alleles, 4 heterozygotes.
Comment: This study involves interpretation of variants in research participants for the purpose of population health screening. Participant phenotype was not available at the time of variant classification. Additional details can be found in publication PMID: 35346344, PMCID: PMC8962531

Myriad Genetics, Inc.
Classification: Benign for Familial adenomatous polyposis 1. Last evaluated: 2024-04-09. Review status: criteria provided, single submitter. Criteria: Myriad Autosomal Dominant, Autosomal Recessive and X-Linked Classification Criteria (2023). Collection method: clinical testing. Allele origin: unknown.
Comment: This variant is considered benign. This variant is a silent/synonymous amino acid change and it is not expected to impact splicing.

GeneDx
Classification: Likely benign. Last evaluated: 2020-08-09. Review status: criteria provided, single submitter. Criteria: GeneDx Variant Classification Process June 2021. Collection method: clinical testing. Allele origin: germline. Affected: yes.

Color Diagnostics, LLC DBA Color Health
Classification: Likely benign for Hereditary cancer-predisposing syndrome. Last evaluated: 2018-11-27. Review status: criteria provided, single submitter. Criteria: ACMG Guidelines, 2015. Collection method: clinical testing. Allele origin: germline.

Ambry Genetics
Classification: Likely benign for Hereditary cancer-predisposing syndrome. Last evaluated: 2016-08-22. Review status: criteria provided, single submitter. Criteria: Ambry Variant Classification Scheme 2023. Collection method: clinical testing. Allele origin: germline.